The following is an entry in ClinVar:

ClinVar aggregate classification (germline): Benign/Likely benign. Review status: criteria provided, multiple submitters, no conflicts (2 of 4 stars). 3 submissions from 3 submitters: Benign (1); Likely benign (2). Last evaluated 2026-02-03.

Conditions:
Charcot-Marie-Tooth disease axonal type 2O. Also called: Charcot-Marie-Tooth disease, axonal, type 20; CHARCOT-MARIE-TOOTH NEUROPATHY, AXONAL, TYPE 2O; CHARCOT-MARIE-TOOTH DISEASE, AXONAL, AUTOSOMAL DOMINANT, TYPE 2O; Charcot-Marie-Tooth Neuropathy Type 2O. Identifiers: Orphanet 284232, MedGen C3280220, MONDO:0013644, OMIM 614228.

Allele frequency attached by ClinVar (database versions not stated): ExAC 0.00029; gnomAD 0.00085 and 0.00096; TOPMed 0.00093; 1000 Genomes Project 0.00100; 1000 Genomes Project 30x 0.00125; ESP Exome Variant Server 0.00154.
gnomAD v4.1: 253 of 1,614,112 alleles (0.016%); highest among the groups gnomAD compares: African/African-American, 0.3%; no homozygotes.

Submissions (3):

Labcorp Genetics (formerly Invitae), Labcorp
Classification: Benign for Charcot-Marie-Tooth disease axonal type 2O. Last evaluated: 2026-02-03. Review status: criteria provided, single submitter. Criteria: Invitae Variant Classification Sherloc (09022015). Collection method: clinical testing. Allele origin: germline.

Blueprint Genetics
Classification: Likely benign. Last evaluated: 2024-09-11. Review status: criteria provided, single submitter. Criteria: ACMG Guidelines, 2015. Collection method: clinical testing. Allele origin: germline.

GeneDx
Classification: Likely benign. Last evaluated: 2017-12-13. Review status: criteria provided, single submitter. Criteria: GeneDx Variant Classification (06012015). Collection method: clinical testing. Allele origin: germline. Affected: yes.
Comment: This variant is considered likely benign or benign based on one or more of the following criteria: it is a conservative change, it occurs at a poorly conserved position in the protein, it is predicted to be benign by multiple in silico algorithms, and/or has population frequency not consistent with disease.

NM_001376.5(DYNC1H1):c.8637+12G>A

Gene: DYNC1H1 (dynein cytoplasmic 1 heavy chain 1; plus strand). Cytogenetic location: 14q32.31.
Variant type: single nucleotide variant.
Coding change: c.8637+12G>A on transcript NM_001376.5 (MANE Select); 12 bases into the intron after coding-DNA position 8637, G replaced by A.
Molecular consequence: intron variant.
Genome position (GRCh38, 1-based): chr14:102,022,892, G>A. VCF-style: chr14-102022892-G-A. GRCh37 (hg19) VCF-style: chr14-102489229-G-A.
Identifiers: ClinVar variation 506430 (VCV000506430.10), dbSNP rs17512551, ClinGen allele CA7353069.
Genomic context (GRCh38, chr14:102,022,892, plus strand): 5'-AGAGAAGGCAATGAGCCGACCCATCTTGTACAGCAACTGGCTGTCAAAGGTAGCAAACTC[G>A]CATCATTTCAGACATACTTCTTTTTCTGCCATCCCTTTCTAACACTAACGAATTCTAACG-3'